The following is an entry in ClinVar:

NM_000059.4(BRCA2):c.4580C>T (p.Ala1527Val)

Gene: BRCA2 (BRCA2 DNA repair associated; plus strand). Cytogenetic location: 13q13.1.
Variant type: single nucleotide variant.
Coding change: c.4580C>T on transcript NM_000059.4 (MANE Select); coding-DNA position 4580, C replaced by T.
Protein change: p.Ala1527Val; replaces alanine 1527 with valine.
Molecular consequence: missense variant. On other transcripts: non-coding transcript variant (1), intron variant (2).
Genome position (GRCh38, 1-based): chr13:32,338,935, C>T. VCF-style: chr13-32338935-C-T. GRCh37 (hg19) VCF-style: chr13-32913072-C-T.
Other names: c.4580C>T, p.Ala1527Val (NM_001406719.1, NM_001406720.1); c.1909+5548C>T (NM_001406721.1); c.425-5623C>T (NM_001406722.1); short protein forms A1527V.
Identifiers: ClinVar variation 3226926 (VCV003226926.1), dbSNP rs2137507943, ClinGen allele CA387781902.
Genomic context (GRCh38, chr13:32,338,935, plus strand): 5'-AGGGACAACCCGAACGTGATGAAAAGATCAAAGAACCTACTCTATTGGGTTTTCATACAG[C>T]TAGCGGGAAAAAAGTTAAAATTGCAAAGGAATCTTTGGACAAAGTGAAAAACCTTTTTGA-3'
Protein context (NP_000050.3, residues 1517-1537): KEPTLLGFHT[Ala1527Val]SGKKVKIAKE

ClinVar aggregate classification (germline): Uncertain significance (1 of 4 stars; one submission).

Conditions:
Hereditary cancer-predisposing syndrome. Also called: Neoplastic Syndromes, Hereditary; Tumor predisposition; Hereditary neoplastic syndrome; Hereditary Cancer Syndrome. Identifiers: Orphanet 140162, MedGen C0027672, MeSH D009386, MONDO:0015356.

Submission:

Ambry Genetics
Classification: Uncertain significance for Hereditary cancer-predisposing syndrome. Last evaluated: 2023-09-27. Review status: criteria provided, single submitter. Criteria: Ambry Variant Classification Scheme 2023. Collection method: clinical testing. Allele origin: germline.
Comment: The p.A1527V variant (also known as c.4580C>T), located in coding exon 10 of the BRCA2 gene, results from a C to T substitution at nucleotide position 4580. The alanine at codon 1527 is replaced by valine, an amino acid with similar properties. This amino acid position is conserved. In addition, this alteration is predicted to be deleterious by in silico analysis. Since supporting evidence is limited at this time, the clinical significance of this alteration remains unclear.